The following is an entry in ClinVar:

NM_006306.4(SMC1A):c.3235A>G (p.Thr1079Ala)

Gene: SMC1A (structural maintenance of chromosomes 1A; minus strand). Cytogenetic location: Xp11.22.
Variant type: single nucleotide variant.
Coding change: c.3235A>G on transcript NM_006306.4 (MANE Select); coding-DNA position 3235, A replaced by G.
Protein change: p.Thr1079Ala; replaces threonine 1079 with alanine.
Molecular consequence: missense variant.
Genome position (GRCh38, 1-based): chrX:53,382,556, T>C on the plus strand (A>G on the coding strand, the complement: SMC1A is on the minus strand). VCF-style: chrX-53382556-T-C. GRCh37 (hg19) VCF-style: chrX-53409477-T-C.
Other names: c.3169A>G, p.Thr1057Ala (NM_001281463.1); short protein forms T1057A, T1079A.
Identifiers: ClinVar variation 655285 (VCV000655285.8), dbSNP rs1602398590, ClinGen allele CA413244088.

ClinVar aggregate classification (germline): Uncertain significance (1 of 4 stars; one submission).

Conditions:
Congenital muscular hypertrophy-cerebral syndrome (CDLS2). Also called: SMC1A-Related Cornelia de Lange Syndrome; Cornelia de Lange syndrome 2. Identifiers: Orphanet 199, MedGen C1802395, MONDO:0010370, OMIM 300590.

Submission:

Labcorp Genetics (formerly Invitae), Labcorp
Classification: Uncertain significance for Congenital muscular hypertrophy-cerebral syndrome. Last evaluated: 2018-08-28. Review status: criteria provided, single submitter. Criteria: Invitae Variant Classification Sherloc (09022015). Collection method: clinical testing. Allele origin: germline.
Comment: This sequence change replaces threonine with alanine at codon 1079 of the SMC1A protein (p.Thr1079Ala). The threonine residue is moderately conserved and there is a small physicochemical difference between threonine and alanine. This variant is not present in population databases (ExAC no frequency). This variant has not been reported in the literature in individuals with SMC1A-related disease. Algorithms developed to predict the effect of missense changes on protein structure and function (SIFT, PolyPhen-2, Align-GVGD) all suggest that this variant is likely to be tolerated, but these predictions have not been confirmed by published functional studies and their clinical significance is uncertain. In summary, the available evidence is currently insufficient to determine the role of this variant in disease. Therefore, it has been classified as a Variant of Uncertain Significance.